The following is an entry in ClinVar:

NM_002838.5(PTPRC):c.2078G>A (p.Arg693His)

Gene: PTPRC (protein tyrosine phosphatase receptor type C; plus strand). Cytogenetic location: 1q32.1.
Variant type: single nucleotide variant.
Coding change: c.2078G>A on transcript NM_002838.5 (MANE Select); coding-DNA position 2078, G replaced by A.
Protein change: p.Arg693His; replaces arginine 693 with histidine.
Molecular consequence: missense variant.
Genome position (GRCh38, 1-based): chr1:198,732,492, G>A. VCF-style: chr1-198732492-G-A. GRCh37 (hg19) VCF-style: chr1-198701621-G-A.
Other names: c.1595G>A, p.Arg532His (NM_080921.4); short protein forms R693H, R532H.
Identifiers: ClinVar variation 851318 (VCV000851318.5), dbSNP rs781335157, ClinGen allele CA344045828.

ClinVar aggregate classification (germline): Uncertain significance (1 of 4 stars; one submission).

Conditions:
Immunodeficiency 104. Also called: IMMUNODEFICIENCY 104, SEVERE COMBINED; SCID, AUTOSOMAL RECESSIVE, T CELL-NEGATIVE, B CELL-POSITIVE, NK CELL-POSITIVE; Severe Combined Immune Deficiency, Autosomal Recessive, TCell -Negative, B Cell-Positive, NK Cell-Positive, IL7R-Related; Severe combined immunodeficiency, autosomal recessive, T cell-negative, B cell-positive, NK cell-positive. Identifiers: MedGen C5676890, MONDO:0012163, OMIM 608971.

Allele frequency attached by ClinVar (database versions not stated): gnomAD 0.00002; TOPMed 0.00003.
gnomAD v4.1: 78 of 1,610,306 alleles (0.0048%); highest among the groups gnomAD compares: Non-Finnish European, 0.0063%; no homozygotes.

Submission:

Labcorp Genetics (formerly Invitae), Labcorp
Classification: Uncertain significance for Immunodeficiency 104. Last evaluated: 2022-08-16. Review status: criteria provided, single submitter. Criteria: Invitae Variant Classification Sherloc (09022015). Collection method: clinical testing. Allele origin: germline.
Comment: This sequence change replaces arginine, which is basic and polar, with histidine, which is basic and polar, at codon 693 of the PTPRC protein (p.Arg693His). This variant is present in population databases (no rsID available, gnomAD 0.005%). This variant has not been reported in the literature in individuals affected with PTPRC-related conditions. ClinVar contains an entry for this variant (Variation ID: 851318). Algorithms developed to predict the effect of missense changes on protein structure and function are either unavailable or do not agree on the potential impact of this missense change (SIFT: "Deleterious"; PolyPhen-2: "Probably Damaging"; Align-GVGD: "Class C0"). In summary, the available evidence is currently insufficient to determine the role of this variant in disease. Therefore, it has been classified as a Variant of Uncertain Significance.